The following is an entry in ClinVar:

ClinVar aggregate classification (germline): Uncertain significance (1 of 4 stars; one submission).

Conditions:
Inborn genetic diseases. Identifiers: MedGen C0950123, MeSH D030342.

gnomAD v4.1: 8 of 1,614,084 alleles (0.0005%); highest among the groups gnomAD compares: African/African-American, 0.0067%; no homozygotes.

Submission:

Ambry Genetics
Classification: Uncertain significance for Inborn genetic diseases. Last evaluated: 2025-09-24. Review status: criteria provided, single submitter. Criteria: Ambry Variant Classification Scheme 2023. Collection method: clinical testing. Allele origin: germline.
Comment: The c.1181C>T (p.T394I) alteration is located in exon 9 (coding exon 8) of the FGFR2 gene. This alteration results from a C to T substitution at nucleotide position 1181, causing the threonine (T) at amino acid position 394 to be replaced by an isoleucine (I). Based on data from gnomAD, the T allele has an overall frequency of <0.001% (1/251452) total alleles studied. The highest observed frequency was 0.006% (1/16256) of African alleles. Based on insufficient or conflicting evidence, the clinical significance of this alteration remains unclear.

NM_000141.5(FGFR2):c.1181C>T (p.Thr394Ile)

Gene: FGFR2 (fibroblast growth factor receptor 2; minus strand). Cytogenetic location: 10q26.13.
Variant type: single nucleotide variant.
Coding change: c.1181C>T on transcript NM_000141.5 (MANE Select); coding-DNA position 1181, C replaced by T.
Protein change: p.Thr394Ile; replaces threonine 394 with isoleucine.
Molecular consequence: missense variant. On other transcripts: non-coding transcript variant (1), intron variant (1).
Genome position (GRCh38, 1-based): chr10:121,515,223, G>A on the plus strand (C>T on the coding strand, the complement: FGFR2 is on the minus strand). VCF-style: chr10-121515223-G-A. GRCh37 (hg19) VCF-style: chr10-123274737-G-A.
Other names: c.1184C>T, p.Thr395Ile (NM_001144913.1, NM_001441087.1, NM_022970.4); c.845C>T, p.Thr282Ile (NM_001144914.1); c.914C>T, p.Thr305Ile (NM_001144915.2, NM_001441089.1, NM_023029.3); c.836C>T, p.Thr279Ile (NM_001144916.2, NM_001144918.2, NM_001441090.1 and 1 more transcripts); c.917C>T, p.Thr306Ile (NM_001144919.2, NM_001441088.1); c.497C>T, p.Thr166Ile (NM_001320654.2); c.1181C>T, p.Thr394Ile (NM_001320658.2); c.939+4756C>T (NM_001144917.2); short protein forms T395I, T166I, T279I, T305I, T282I, T306I, T394I.
Identifiers: ClinVar variation 4619908 (VCV004619908.1).